The following is an entry in ClinVar:

ClinVar aggregate classification (germline): Uncertain significance (1 of 4 stars; one submission).

gnomAD v4.1: 14 of 1,412,070 alleles (0.00099%); highest among the groups gnomAD compares: East Asian, 0.003%; no homozygotes.

Submission:

GeneDx
Classification: Uncertain significance. Last evaluated: 2024-08-29. Review status: criteria provided, single submitter. Criteria: GeneDx Variant Classification Process June 2021. Collection method: clinical testing. Allele origin: germline. Affected: yes.
Comment: In silico analysis supports that this missense variant has a deleterious effect on protein structure/function; Has not been previously published as pathogenic or benign to our knowledge; Not observed at significant frequency in large population cohorts (gnomAD)

NM_014855.3(AP5Z1):c.637G>A (p.Glu213Lys)

Gene: AP5Z1 (adaptor related protein complex 5 subunit zeta 1; plus strand). Cytogenetic location: 7p22.1.
Variant type: single nucleotide variant.
Coding change: c.637G>A on transcript NM_014855.3 (MANE Select); coding-DNA position 637, G replaced by A.
Protein change: p.Glu213Lys; replaces glutamic acid 213 with lysine.
Molecular consequence: missense variant. On other transcripts: non-coding transcript variant (1).
Genome position (GRCh38, 1-based): chr7:4,784,218, G>A. VCF-style: chr7-4784218-G-A. GRCh37 (hg19) VCF-style: chr7-4823849-G-A.
Other names: c.169G>A, p.Glu57Lys (NM_001364858.1); short protein forms E213K, E57K.
Identifiers: ClinVar variation 3766097 (VCV003766097.1).
Genomic context (GRCh38, chr7:4,784,218, plus strand): 5'-CCGGCCTCGGCCCCCTCCGCCCACTCCTGCCTGTCCTTCCCACAGCCGGGCCCCGTCACC[G>A]AGGTGGACGGGGCGGTAGCCACAGACTTCTTCACGGTGCTCTCCAGCGGCCACCGCTTCA-3'
Protein context (NP_055670.1, residues 203-223): PRARQPGPVT[Glu213Lys]VDGAVATDFF